The following is an entry in ClinVar:

NM_173651.4(FSIP2):c.14268T>C (p.His4756=)

Gene: FSIP2 (fibrous sheath interacting protein 2; plus strand). Cytogenetic location: 2q32.1.
Variant type: single nucleotide variant.
Coding change: c.14268T>C on transcript NM_173651.4 (MANE Select); coding-DNA position 14268, T replaced by C.
Protein change: p.His4756=; no amino-acid change (histidine 4756 retained).
Molecular consequence: synonymous variant.
Genome position (GRCh38, 1-based): chr2:185,803,574, T>C. VCF-style: chr2-185803574-T-C. GRCh37 (hg19) VCF-style: chr2-186668301-T-C.
Identifiers: ClinVar variation 2651752 (VCV002651752.24), dbSNP rs904072898, ClinGen allele CA430516431.

ClinVar aggregate classification (germline): Likely benign (1 of 4 stars; one submission).

gnomAD v4.1: 12 of 1,532,468 alleles (0.00078%); highest among the groups gnomAD compares: Non-Finnish European, 0.001%; no homozygotes.

Submission:

CeGaT Center for Human Genetics Tuebingen
Classification: Likely benign. Last evaluated: 2022-08-01. Review status: criteria provided, single submitter. Criteria: CeGaT Center For Human Genetics Tuebingen Variant Classification Criteria Version 2. Collection method: clinical testing. Allele origin: germline. Affected: yes. Observed: 1 variant allele.
Comment: FSIP2: BP4, BP7